The following is an entry in ClinVar:

ClinVar aggregate classification (germline): Uncertain significance. Review status: criteria provided, multiple submitters, no conflicts (2 of 4 stars). 3 submissions from 3 submitters: Uncertain significance (3). Last evaluated 2026-06-18.

Conditions:
Primary ciliary dyskinesia. Also called: Ciliary dyskinesia. Identifiers: Orphanet 244, MedGen C0008780, MONDO:0016575, HP:0012265.

Allele frequency attached by ClinVar (database versions not stated): ExAC 0.00001; 1000 Genomes Project 30x 0.00016; gnomAD 0.00001; 1000 Genomes Project 0.00020.
gnomAD v4.1: 52 of 1,614,094 alleles (0.0032%); highest among the groups gnomAD compares: Non-Finnish European, 0.0041%; no homozygotes.

Submissions (3):

Ambry Genetics
Classification: Uncertain significance for Primary ciliary dyskinesia. Last evaluated: 2026-06-18. Review status: criteria provided, single submitter. Criteria: Ambry Variant Classification Scheme 2023. Collection method: clinical testing. Allele origin: germline.
Comment: The p.E3878K variant (also known as c.11632G>A), located in coding exon 68 of the DNAH5 gene, results from a G to A substitution at nucleotide position 11632. The glutamic acid at codon 3878 is replaced by lysine, an amino acid with similar properties. This amino acid position is conserved. In addition, the in silico prediction for this alteration is inconclusive. Based on the available evidence, the clinical significance of this variant remains unclear.

Labcorp Genetics (formerly Invitae), Labcorp
Classification: Uncertain significance for Primary ciliary dyskinesia. Last evaluated: 2022-06-26. Review status: criteria provided, single submitter. Criteria: Invitae Variant Classification Sherloc (09022015). Collection method: clinical testing. Allele origin: germline.
Comment: This sequence change replaces glutamic acid, which is acidic and polar, with lysine, which is basic and polar, at codon 3878 of the DNAH5 protein (p.Glu3878Lys). This variant is present in population databases (rs202140771, gnomAD 0.007%). This variant has not been reported in the literature in individuals affected with DNAH5-related conditions. Advanced modeling of protein sequence and biophysical properties (such as structural, functional, and spatial information, amino acid conservation, physicochemical variation, residue mobility, and thermodynamic stability) performed at Invitae indicates that this missense variant is not expected to disrupt DNAH5 protein function. In summary, the available evidence is currently insufficient to determine the role of this variant in disease. Therefore, it has been classified as a Variant of Uncertain Significance.

Breakthrough Genomics
Classification: Uncertain significance. Review status: criteria provided, single submitter. Criteria: ACMG Guidelines, 2015. Collection method: not provided. Allele origin: germline. Inheritance: Autosomal recessive inheritance. Affected: yes.

NM_001369.3(DNAH5):c.11632G>A (p.Glu3878Lys)

Gene: DNAH5 (dynein axonemal heavy chain 5; minus strand). Cytogenetic location: 5p15.2.
Variant type: single nucleotide variant.
Coding change: c.11632G>A on transcript NM_001369.3 (MANE Select); coding-DNA position 11632, G replaced by A.
Protein change: p.Glu3878Lys; replaces glutamic acid 3878 with lysine.
Molecular consequence: missense variant.
Genome position (GRCh38, 1-based): chr5:13,735,260, C>T on the plus strand (G>A on the coding strand, the complement: DNAH5 is on the minus strand). VCF-style: chr5-13735260-C-T. GRCh37 (hg19) VCF-style: chr5-13735369-C-T.
Other names: c.11632G>A (NM_001369.2); short protein forms E3878K.
Identifiers: ClinVar variation 2158589 (VCV002158589.3), dbSNP rs202140771, ClinGen allele CA3201887.